The following is an entry in ClinVar:

NM_000368.5(TSC1):c.1797del (p.Gln600fs)

Gene: TSC1 (TSC complex subunit 1; minus strand). Cytogenetic location: 9q34.13.
Variant type: Deletion.
Coding change: c.1797del on transcript NM_000368.5 (MANE Select); coding-DNA position 1797, one base deleted (G; older notation c.1797delG).
Protein change: p.Gln600fs; shifts the reading frame from glutamine 600.
Molecular consequence: frameshift variant.
Genome position (GRCh38, 1-based): chr9:132,905,781, C deleted on the plus strand (G on the coding strand, the reverse complement: TSC1 is on the minus strand); the first of 3 consecutive C bases (chr9:132,905,781-132,905,783); deleting any one gives the same sequence. VCF-style (leftmost placement, unchanged base first): chr9-132905780-GC-G. GRCh37 (hg19) VCF-style: chr9-135781167-GC-G.
Other names: c.1794del, p.Gln599fs (NM_001162426.2); c.1644del, p.Gln549fs (NM_001162427.2); c.1434del, p.Gln479fs (NM_001362177.2); short protein forms Q479fs, Q549fs, Q599fs, Q600fs.
Identifiers: ClinVar variation 1069661 (VCV001069661.7), dbSNP rs2131823012, ClinGen allele CA2499219713.
Genomic context (GRCh38, chr9:132,905,780, plus strand): 5'-CAAAATGATGGGCTGTCTTTGGCAATGCCACCTCAAAAAGATGATCATACGGGGGAGGCT[GC>G]CCGCTTCCAAAGCCCACTCTCGTCGGAGGTGGAATTTTACAAGGACTGGGAGTGAAGATA-3'

ClinVar aggregate classification (germline): Pathogenic (1 of 4 stars; one submission).

Conditions:
Tuberous sclerosis 1 (TSC1). Identifiers: Orphanet 805, MedGen C1854465, MONDO:0008612, OMIM 191100.

Submission:

Labcorp Genetics (formerly Invitae), Labcorp
Classification: Pathogenic for Tuberous sclerosis 1. Last evaluated: 2021-02-15. Review status: criteria provided, single submitter. Criteria: Invitae Variant Classification Sherloc (09022015). Collection method: clinical testing. Allele origin: germline.
Comment: For these reasons, this variant has been classified as Pathogenic. This variant has not been reported in the literature in individuals with TSC1-related conditions. This variant is not present in population databases (ExAC no frequency). This sequence change creates a premature translational stop signal (p.Gln600Serfs*29) in the TSC1 gene. It is expected to result in an absent or disrupted protein product. Loss-of-function variants in TSC1 are known to be pathogenic (PMID: 10227394, 17304050).

Literature cited by the submitters: PubMed 10227394; PubMed 17304050.